The following is an entry in ClinVar:

ClinVar aggregate classification (germline): Uncertain significance (1 of 4 stars; one submission).

Submission:

Labcorp Genetics (formerly Invitae), Labcorp
Classification: Uncertain significance. Last evaluated: 2023-09-01. Review status: criteria provided, single submitter. Criteria: Invitae Variant Classification Sherloc (09022015). Collection method: clinical testing. Allele origin: germline.
Comment: In summary, the available evidence is currently insufficient to determine the role of this variant in disease. Therefore, it has been classified as a Variant of Uncertain Significance. Advanced modeling of protein sequence and biophysical properties (such as structural, functional, and spatial information, amino acid conservation, physicochemical variation, residue mobility, and thermodynamic stability) performed at Invitae indicates that this missense variant is not expected to disrupt COL7A1 protein function. This variant has not been reported in the literature in individuals affected with COL7A1-related conditions. This variant is not present in population databases (gnomAD no frequency). This sequence change replaces proline, which is neutral and non-polar, with serine, which is neutral and polar, at codon 1701 of the COL7A1 protein (p.Pro1701Ser).

NM_000094.4(COL7A1):c.5101C>T (p.Pro1701Ser)

Gene: COL7A1 (collagen type VII alpha 1 chain; minus strand). Cytogenetic location: 3p21.31.
Variant type: single nucleotide variant.
Coding change: c.5101C>T on transcript NM_000094.4 (MANE Select); coding-DNA position 5101, C replaced by T.
Protein change: p.Pro1701Ser; replaces proline 1701 with serine.
Molecular consequence: missense variant.
Genome position (GRCh38, 1-based): chr3:48,580,054, G>A on the plus strand (C>T on the coding strand, the complement: COL7A1 is on the minus strand). VCF-style: chr3-48580054-G-A. GRCh37 (hg19) VCF-style: chr3-48617487-G-A.
Other names: short protein forms P1701S.
Identifiers: ClinVar variation 2803921 (VCV002803921.3), dbSNP rs2044631531, ClinGen allele CA352678513.